The following is an entry in ClinVar:

ClinVar aggregate classification (germline): Pathogenic (1 of 4 stars; one submission).

Allele frequency attached by ClinVar (database versions not stated): gnomAD exomes below 0.00001; ExAC 0.00001; gnomAD 0.00001; TOPMed 0.00001.
gnomAD v4.1: 4 of 1,613,292 alleles (0.00025%); highest among the groups gnomAD compares: Non-Finnish European, 0.00034%; no homozygotes.

Submission:

Labcorp Genetics (formerly Invitae), Labcorp
Classification: Pathogenic. Last evaluated: 2024-01-18. Review status: criteria provided, single submitter. Criteria: Invitae Variant Classification Sherloc (09022015). Collection method: clinical testing. Allele origin: germline.
Comment: This sequence change creates a premature translational stop signal (p.Ser463*) in the PCNT gene. It is expected to result in an absent or disrupted protein product. Loss-of-function variants in PCNT are known to be pathogenic (PMID: 18174396, 22821869). This variant is present in population databases (rs770995623, gnomAD 0.002%). This premature translational stop signal has been observed in individual(s) with microcephalic osteodysplastic primordial dwarfism type Majewski II (PMID: 18174396). Algorithms developed to predict the effect of sequence changes on RNA splicing suggest that this variant may disrupt the consensus splice site. For these reasons, this variant has been classified as Pathogenic.

Literature cited by the submitters: PubMed 18174396; PubMed 22821869.

NM_006031.6(PCNT):c.1388C>G (p.Ser463Ter)

Gene: PCNT (pericentrin; plus strand). Cytogenetic location: 21q22.3.
Variant type: single nucleotide variant.
Coding change: c.1388C>G on transcript NM_006031.6 (MANE Select); coding-DNA position 1388, C replaced by G.
Protein change: p.Ser463Ter; replaces serine 463 with a stop codon.
Molecular consequence: nonsense.
Genome position (GRCh38, 1-based): chr21:46,351,472, C>G. VCF-style: chr21-46351472-C-G. GRCh37 (hg19) VCF-style: chr21-47771386-C-G.
Other names: c.1034C>G, p.Ser345Ter (NM_001315529.2); short protein forms S345*, S463*.
Identifiers: ClinVar variation 2737011 (VCV002737011.3), dbSNP rs770995623, ClinGen allele CA10078602.